The following is an entry in ClinVar:

ClinVar aggregate classification (germline): Uncertain significance (1 of 4 stars; one submission).

Allele frequency attached by ClinVar (database versions not stated): gnomAD 0.00001; gnomAD exomes 0.00003; ExAC 0.00006; TOPMed below 0.00001.
gnomAD v4.1: 44 of 1,612,364 alleles (0.0027%); highest among the groups gnomAD compares: South Asian, 0.043%; no homozygotes.

Submission:

Ambry Genetics
Classification: Uncertain significance. Last evaluated: 2025-10-02. Review status: criteria provided, single submitter. Criteria: Ambry Variant Classification Scheme 2023. Collection method: clinical testing. Allele origin: germline.
Comment: The c.8589G>T (p.W2863C) alteration is located in exon 33 (coding exon 33) of the CELSR1 gene. This alteration results from a G to T substitution at nucleotide position 8589, causing the tryptophan (W) at amino acid position 2863 to be replaced by a cysteine (C). Based on data from gnomAD, the T allele has an overall frequency of 0.006% (15/244832) total alleles studied. The highest observed frequency was 0.043% (13/30574) of South Asian alleles. Based on insufficient or conflicting evidence, the clinical significance of this alteration remains unclear.

NM_001378328.1(CELSR1):c.8589G>T (p.Trp2863Cys)

Gene: CELSR1 (cadherin EGF LAG seven-pass G-type receptor 1; minus strand). Cytogenetic location: 22q13.31.
Variant type: single nucleotide variant.
Coding change: c.8589G>T on transcript NM_001378328.1 (MANE Select); coding-DNA position 8589, G replaced by T.
Protein change: p.Trp2863Cys; replaces tryptophan 2863 with cysteine.
Molecular consequence: missense variant.
Genome position (GRCh38, 1-based): chr22:46,364,702, C>A on the plus strand (G>T on the coding strand, the complement: CELSR1 is on the minus strand). VCF-style: chr22-46364702-C-A. GRCh37 (hg19) VCF-style: chr22-46760599-C-A.
Other names: c.8589G>T, p.Trp2863Cys (NM_014246.4); short protein forms W2863C.
Identifiers: ClinVar variation 2271765 (VCV002271765.3), dbSNP rs767865626, ClinGen allele CA10292719.